The following is an entry in ClinVar:

NM_017802.4(DNAAF5):c.1027C>T (p.Arg343Cys)

Gene: DNAAF5 (dynein axonemal assembly factor 5; plus strand). Cytogenetic location: 7p22.3.
Variant type: single nucleotide variant.
Coding change: c.1027C>T on transcript NM_017802.4 (MANE Select); coding-DNA position 1027, C replaced by T.
Protein change: p.Arg343Cys; replaces arginine 343 with cysteine.
Molecular consequence: missense variant. On other transcripts: non-coding transcript variant (1).
Genome position (GRCh38, 1-based): chr7:754,591, C>T. VCF-style: chr7-754591-C-T. GRCh37 (hg19) VCF-style: chr7-794228-C-T.
Other names: c.1027C>T (NM_017802.3); short protein forms R343C.
Identifiers: ClinVar variation 1447086 (VCV001447086.7), dbSNP rs773921234, ClinGen allele CA4110577.

ClinVar aggregate classification (germline): Conflicting classifications of pathogenicity. Review status: criteria provided, conflicting classifications (1 of 4 stars). 3 submissions from 3 submitters: Uncertain significance (2); Likely benign (1). Last evaluated 2025-03-25.

Conditions:
Primary ciliary dyskinesia 18. Also called: CILIARY DYSKINESIA, PRIMARY, 18, WITH OR WITHOUT SITUS INVERSUS. Identifiers: Orphanet 244, MedGen C3543825, MONDO:0013940, OMIM 614874.
Primary ciliary dyskinesia. Also called: Ciliary dyskinesia. Identifiers: Orphanet 244, MedGen C0008780, MONDO:0016575, HP:0012265.

Allele frequency attached by ClinVar (database versions not stated): gnomAD exomes 0.00002 and 0.00008; gnomAD 0.00003; TOPMed 0.00003; ExAC 0.00010.
gnomAD v4.1: 30 of 1,612,584 alleles (0.0019%); highest among the groups gnomAD compares: East Asian, 0.027%; no homozygotes.

Submissions (3):

Labcorp Genetics (formerly Invitae), Labcorp
Classification: Uncertain significance for Primary ciliary dyskinesia. Last evaluated: 2025-03-25. Review status: criteria provided, single submitter. Criteria: Invitae Variant Classification Sherloc (09022015). Collection method: clinical testing. Allele origin: germline.
Comment: This sequence change replaces arginine, which is basic and polar, with cysteine, which is neutral and slightly polar, at codon 343 of the DNAAF5 protein (p.Arg343Cys). This variant is present in population databases (rs773921234, gnomAD 0.08%). This variant has not been reported in the literature in individuals affected with DNAAF5-related conditions. ClinVar contains an entry for this variant (Variation ID: 1447086). An algorithm developed to predict the effect of missense changes on protein structure and function (PolyPhen-2) suggests that this variant is likely to be tolerated. In summary, the available evidence is currently insufficient to determine the role of this variant in disease. Therefore, it has been classified as a Variant of Uncertain Significance.

Ambry Genetics
Classification: Likely benign for Primary ciliary dyskinesia. Last evaluated: 2024-03-30. Review status: criteria provided, single submitter. Criteria: Ambry Variant Classification Scheme 2023. Collection method: clinical testing. Allele origin: germline.

Fulgent Genetics
Classification: Uncertain significance for Primary ciliary dyskinesia 18. Last evaluated: 2022-05-20. Review status: criteria provided, single submitter. Criteria: ACMG Guidelines, 2015. Collection method: clinical testing. Allele origin: unknown.